The following is an entry in ClinVar:

ClinVar aggregate classification (germline): Uncertain significance (1 of 4 stars; one submission).

gnomAD v4.1: 13 of 1,613,500 alleles (0.00081%); highest among the groups gnomAD compares: Admixed American, 0.005%; no homozygotes.

Submission:

Labcorp Genetics (formerly Invitae), Labcorp
Classification: Uncertain significance. Last evaluated: 2025-12-23. Review status: criteria provided, single submitter. Criteria: Invitae Variant Classification Sherloc (09022015). Collection method: clinical testing. Allele origin: germline.
Comment: This sequence change replaces serine, which is neutral and polar, with tyrosine, which is neutral and polar, at codon 7 of the FAM65B protein (p.Ser7Tyr). This variant is present in population databases (no rsID available, gnomAD 0.003%). This variant has not been reported in the literature in individuals affected with FAM65B-related conditions. An algorithm developed to predict the effect of missense changes on protein structure and function (PolyPhen-2) suggests that this variant is likely to be disruptive. In summary, the available evidence is currently insufficient to determine the role of this variant in disease. Therefore, it has been classified as a Variant of Uncertain Significance.

NM_001286445.3(RIPOR2):c.107C>A (p.Ser36Tyr)

Gene: RIPOR2 (RHO family interacting cell polarization regulator 2; minus strand). Cytogenetic location: 6p22.3.
Variant type: single nucleotide variant.
Coding change: c.107C>A on transcript NM_001286445.3 (MANE Select); coding-DNA position 107, C replaced by A.
Protein change: p.Ser36Tyr; replaces serine 36 with tyrosine.
Molecular consequence: missense variant.
Genome position (GRCh38, 1-based): chr6:24,875,772, G>T on the plus strand (C>A on the coding strand, the complement: RIPOR2 is on the minus strand). VCF-style: chr6-24875772-G-T. GRCh37 (hg19) VCF-style: chr6-24876000-G-T.
Other names: c.122C>A, p.Ser41Tyr (NM_001286446.3); c.20C>A, p.Ser7Tyr (NM_001286447.2, NM_001346031.2, NM_001346032.2 and 2 more transcripts); short protein forms S41Y, S7Y, S36Y.
Identifiers: ClinVar variation 4700294 (VCV004700294.1).
Genomic context (GRCh38, chr6:24,875,772, plus strand): 5'-CCGCTGAAACCCGCAAAGGACTGGCTTCTAATGATCCCATTGGGCCCTCCAGGCGAAAAA[G>T]ACTGGGATCCTACCAACATGATTTCCGGGAGTCTGGTCGGTAGTCCTAGAAGACAGTGGA-3'
Protein context (NP_001273374.1, residues 26-46): LPEIMLVGSQ[Ser36Tyr]FSPGGPNGII